The following is an entry in ClinVar:

NM_000318.3(PEX2):c.686G>A (p.Gly229Asp)

Gene: PEX2 (peroxisomal biogenesis factor 2; minus strand). Cytogenetic location: 8q21.13.
Variant type: single nucleotide variant.
Coding change: c.686G>A on transcript NM_000318.3 (MANE Select); coding-DNA position 686, G replaced by A.
Protein change: p.Gly229Asp; replaces glycine 229 with aspartic acid.
Molecular consequence: missense variant.
Genome position (GRCh38, 1-based): chr8:76,983,493, C>T on the plus strand (G>A on the coding strand, the complement: PEX2 is on the minus strand). VCF-style: chr8-76983493-C-T. GRCh37 (hg19) VCF-style: chr8-77895729-C-T.
Other names: c.686G>A, p.Gly229Asp (NM_001079867.2, NM_001172086.2, NM_001172087.2); short protein forms G229D.
Identifiers: ClinVar variation 1438606 (VCV001438606.6), dbSNP rs2132043367, ClinGen allele CA371556803.

ClinVar aggregate classification (germline): Uncertain significance (1 of 4 stars; one submission).

Conditions:
Peroxisome biogenesis disorder 5A (Zellweger) (PBD5A). Identifiers: Orphanet 912, MedGen C3553940, MONDO:0013932, OMIM 614866.

Allele frequency attached by ClinVar (database versions not stated): gnomAD exomes below 0.00001.
gnomAD v4.1: 2 of 1,614,036 alleles (0.00012%); highest among the groups gnomAD compares: Non-Finnish European, 0.00017%; no homozygotes.

Submission:

Labcorp Genetics (formerly Invitae), Labcorp
Classification: Uncertain significance for Peroxisome biogenesis disorder 5A (Zellweger). Last evaluated: 2022-02-04. Review status: criteria provided, single submitter. Criteria: Invitae Variant Classification Sherloc (09022015). Collection method: clinical testing. Allele origin: germline.
Comment: This sequence change replaces glycine, which is neutral and non-polar, with aspartic acid, which is acidic and polar, at codon 229 of the PEX2 protein (p.Gly229Asp). This variant is not present in population databases (gnomAD no frequency). This variant has not been reported in the literature in individuals affected with PEX2-related conditions. Algorithms developed to predict the effect of missense changes on protein structure and function (SIFT, PolyPhen-2, Align-GVGD) all suggest that this variant is likely to be tolerated. In summary, the available evidence is currently insufficient to determine the role of this variant in disease. Therefore, it has been classified as a Variant of Uncertain Significance.